The following is an entry in ClinVar:

ClinVar aggregate classification (germline): Uncertain significance. Review status: criteria provided, multiple submitters, no conflicts (2 of 4 stars). 3 submissions from 3 submitters: Uncertain significance (3). Last evaluated 2025-10-05.

Conditions:
Inborn genetic diseases. Identifiers: MedGen C0950123, MeSH D030342.
Deafness-lymphedema-leukemia syndrome. Also called: Emberger syndrome; Lymphedema, primary, with myelodysplasia. Identifiers: Orphanet 3226, MedGen C3279664, MONDO:0013540, OMIM 614038.
Monocytopenia with susceptibility to infections. Also called: IMMUNODEFICIENCY 21; GATA2 DEFICIENCY; MONOCYTOPENIA AND MYCOBACTERIAL INFECTION SYNDROME; MONOCYTOPENIA WITH SUSCEPTIBILITY TO MYCOBACTERIAL, FUNGAL, AND PAPILLOMAVIRUS INFECTIONS AND MYELODYSPLASIA; COMBINED IMMUNODEFICIENCY WITH SUSCEPTIBILITY TO MYCOBACTERIAL, VIRAL, AND FUNGAL INFECTIONS; Dendritic cell, monocyte, B lymphocyte, and natural killer lymphocyte deficiency. Identifiers: Orphanet 228423, MedGen C3280030, MONDO:0013607, OMIM 614172.
Acute myeloid leukemia (AML). Also called: Leukemia, acute myeloid, somatic; Leukemia, acute myelogenous, somatic; Acute myeloid leukemia, adult; AML adult; Acute non-lymphocytic leukemia; Acute granulocytic leukemia. Identifiers: Orphanet 519, MedGen C0023467, MeSH D015470, MONDO:0018874, OMIM 601626, HP:0004808. Disease mechanism: Constitutively activated FLT3.

Allele frequency attached by ClinVar (database versions not stated): ExAC 0.00001; gnomAD exomes 0.00001; TOPMed 0.00001.

Submissions (3):

Labcorp Genetics (formerly Invitae), Labcorp
Classification: Uncertain significance for Monocytopenia with susceptibility to infections; Deafness-lymphedema-leukemia syndrome. Last evaluated: 2025-10-05. Review status: criteria provided, single submitter. Criteria: Invitae Variant Classification Sherloc (09022015). Collection method: clinical testing. Allele origin: germline.
Comment: This sequence change replaces glycine, which is neutral and non-polar, with glutamic acid, which is acidic and polar, at codon 272 of the GATA2 protein (p.Gly272Glu). This variant is present in population databases (rs770511115, gnomAD 0.003%). This variant has not been reported in the literature in individuals affected with GATA2-related conditions. ClinVar contains an entry for this variant (Variation ID: 472466). Invitae Evidence Modeling of protein sequence and biophysical properties (such as structural, functional, and spatial information, amino acid conservation, physicochemical variation, residue mobility, and thermodynamic stability) has been performed for this missense variant. However, the output from this modeling did not meet the statistical confidence thresholds required to predict the impact of this variant on GATA2 protein function. In summary, the available evidence is currently insufficient to determine the role of this variant in disease. Therefore, it has been classified as a Variant of Uncertain Significance.

Ambry Genetics
Classification: Uncertain significance for Inborn genetic diseases. Last evaluated: 2025-07-09. Review status: criteria provided, single submitter. Criteria: Ambry Variant Classification Scheme 2023. Collection method: clinical testing. Allele origin: germline.
Comment: The p.G272E variant (also known as c.815G>A), located in coding exon 2 of the GATA2 gene, results from a G to A substitution at nucleotide position 815. The glycine at codon 272 is replaced by glutamic acid, an amino acid with similar properties. This amino acid position is well conserved in available vertebrate species. In addition, this alteration is predicted to be deleterious by in silico analysis. Based on the available evidence, the clinical significance of this variant remains unclear.

Baylor Genetics
Classification: Uncertain significance for Acute myeloid leukemia. Last evaluated: 2024-03-24. Review status: criteria provided, single submitter. Criteria: ACMG Guidelines, 2015. Collection method: clinical testing. Allele origin: unknown.

NM_032638.5(GATA2):c.815G>A (p.Gly272Glu)

Gene: GATA2 (GATA binding protein 2; minus strand). Cytogenetic location: 3q21.3.
Variant type: single nucleotide variant.
Coding change: c.815G>A on transcript NM_032638.5 (MANE Select); coding-DNA position 815, G replaced by A.
Protein change: p.Gly272Glu; replaces glycine 272 with glutamic acid.
Molecular consequence: missense variant.
Genome position (GRCh38, 1-based): chr3:128,485,783, C>T on the plus strand (G>A on the coding strand, the complement: GATA2 is on the minus strand). VCF-style: chr3-128485783-C-T. GRCh37 (hg19) VCF-style: chr3-128204626-C-T.
Other names: c.815G>A, p.Gly272Glu (NM_001145661.2, NM_001145662.1); short protein forms G272E.
Identifiers: ClinVar variation 472466 (VCV000472466.11), dbSNP rs770511115, ClinGen allele CA2599957.
Genomic context (GRCh38, chr3:128,485,783, plus strand): 5'-TTACCTGAACAGGAACGAGCCTTGCTGCGCTGCTTAGGGGTGAAGCTGGAGGCCGGTCCC[C>T]CCAGGAAGCCTCCGGGGTGGAAGAGTCCGCTGCTGTAGTCGTGGGCAGCCGCCGGCACAT-3'
Protein context (NP_116027.2, residues 262-282): SGLFHPGGFL[Gly272Glu]GPASSFTPKQ